The following is an entry in ClinVar:

ClinVar aggregate classification (germline): Likely pathogenic (1 of 4 stars; one submission).

Conditions:
T-B+ severe combined immunodeficiency due to JAK3 deficiency. Also called: SCID, T CELL-NEGATIVE, B CELL-POSITIVE, NK CELL-NEGATIVE; SCID, autosomal recessive, T-negative/B-positive type. Identifiers: Orphanet 35078, MedGen C1833275, MONDO:0010938, OMIM 600802.

Submission:

Labcorp Genetics (formerly Invitae), Labcorp
Classification: Likely pathogenic for T-B+ severe combined immunodeficiency due to JAK3 deficiency. Last evaluated: 2024-03-05. Review status: criteria provided, single submitter. Criteria: Invitae Variant Classification Sherloc (09022015). Collection method: clinical testing. Allele origin: germline.
Comment: This sequence change affects an acceptor splice site in intron 8 of the JAK3 gene. It is expected to disrupt RNA splicing. Variants that disrupt the donor or acceptor splice site typically lead to a loss of protein function (PMID: 16199547), and loss-of-function variants in JAK3 are known to be pathogenic (PMID: 7481768, 11668621). This variant is not present in population databases (gnomAD no frequency). This variant has not been reported in the literature in individuals affected with JAK3-related conditions. Algorithms developed to predict the effect of sequence changes on RNA splicing suggest that this variant may disrupt the consensus splice site. In summary, the currently available evidence indicates that the variant is pathogenic, but additional data are needed to prove that conclusively. Therefore, this variant has been classified as Likely Pathogenic.

Literature cited by the submitters: PubMed 16199547; PubMed 7481768; PubMed 11668621.

NM_000215.4(JAK3):c.1143-1G>A

Gene: JAK3 (Janus kinase 3; minus strand). Cytogenetic location: 19p13.11.
Variant type: single nucleotide variant.
Coding change: c.1143-1G>A on transcript NM_000215.4 (MANE Select); the canonical splice acceptor site of the intron before coding-DNA position 1143, G replaced by A.
Molecular consequence: splice acceptor variant.
Genome position (GRCh38, 1-based): chr19:17,840,342, C>T on the plus strand (G>A on the coding strand, the complement: JAK3 is on the minus strand). VCF-style: chr19-17840342-C-T. GRCh37 (hg19) VCF-style: chr19-17951151-C-T.
Identifiers: ClinVar variation 3643570 (VCV003643570.2).